The following is an entry in ClinVar:

NM_130839.5(UBE3A):c.2376T>C (p.His792=)

Genes: SNHG14 (small nucleolar RNA host gene 14; plus strand), UBE3A (ubiquitin protein ligase E3A; minus strand). Cytogenetic location: 15q11.2.
Variant type: single nucleotide variant.
Coding change: c.2376T>C on transcript NM_130839.5 (MANE Select); coding-DNA position 2376, T replaced by C.
Protein change: p.His792=; no amino-acid change (histidine 792 retained).
Molecular consequence: synonymous variant. On other transcripts: non-coding transcript variant (1).
Genome position (GRCh38, 1-based): chr15:25,340,207, A>G on the plus strand (T>C on the coding strand, the complement: UBE3A is on the minus strand). VCF-style: chr15-25340207-A-G. GRCh37 (hg19) VCF-style: chr15-25585354-A-G.
Other names: c.2385T>C, p.His795= (NM_000462.5); c.2376T>C, p.His792= (NM_001354505.1, NM_001354538.2); c.2316T>C, p.His772= (NM_001354506.2, NM_001354507.2, NM_001354508.2 and 14 more transcripts); c.2220T>C, p.His740= (NM_001354545.2); c.2199T>C, p.His733= (NM_001354546.2); c.2160T>C, p.His720= (NM_001354547.2, NM_001354548.2); c.2151T>C, p.His717= (NM_001354549.2); c.1125T>C, p.His375= (NM_001354550.2); and 1 more.
Identifiers: ClinVar variation 1336692 (VCV001336692.28), dbSNP rs2152515457, ClinGen allele CA488875015.

ClinVar aggregate classification (germline): Conflicting classifications of pathogenicity. Review status: criteria provided, conflicting classifications (1 of 4 stars). 2 submissions from 2 submitters: Uncertain significance (1); Likely benign (1). Last evaluated 2026-06-01.

Submissions (2):

CeGaT Center for Human Genetics Tuebingen
Classification: Likely benign. Last evaluated: 2026-06-01. Review status: criteria provided, single submitter. Criteria: CeGaT Center For Human Genetics Tuebingen Variant Classification Criteria Version 2. Collection method: clinical testing. Allele origin: germline. Affected: yes. Observed: 2 variant alleles.
Comment: UBE3A: PM2:Supporting, BP4, BP7

Genetic Services Laboratory, University of Chicago
Classification: Uncertain significance. Last evaluated: 2018-06-04. Review status: criteria provided, single submitter. Criteria: ACMG Guidelines, 2015. Collection method: clinical testing. Allele origin: germline. Affected: no.